The following is an entry in ClinVar:

NM_001044.5(SLC6A3):c.1515C>T (p.Ser505=)

Gene: SLC6A3 (solute carrier family 6 member 3). Cytogenetic location: 5p15.33.
Variant type: single nucleotide variant.
Coding change: c.1515C>T on transcript NM_001044.5 (MANE Select); coding-DNA position 1515, C replaced by T.
Protein change: p.Ser505=; no amino-acid change (serine 505 retained).
Molecular consequence: synonymous variant.
Genome position (GRCh38, 1-based): chr5:1,406,272, G>A on the plus strand (C>T on the coding strand, the complement: SLC6A3 is on the minus strand). VCF-style: chr5-1406272-G-A. GRCh37 (hg19) VCF-style: chr5-1406387-G-A.
Other names: c.1515C>T (NM_001044.4).
Identifiers: ClinVar variation 501083 (VCV000501083.15), dbSNP rs114563841, ClinGen allele CA3186002.
Genomic context (GRCh38, chr5:1,406,272, plus strand): 5'-CTTCCAGCACAGCCGCCAGTACAGGCTGGGCCGCTGCCCGGTCATCTGCTGGATGTCGTC[G>A]CTGAACTGCCCAACACCTGAGGGAGAAGAGGTGGCATCAGTGTCCATCAGGGCAGCGCAT-3'
Protein context (NP_001035.1, residues 495-515): VAWFYGVGQF[Ser505=]DDIQQMTGQR

ClinVar aggregate classification (germline): Conflicting classifications of pathogenicity. Review status: criteria provided, conflicting classifications (1 of 4 stars). 3 submissions from 3 submitters: Uncertain significance (1); Likely benign (1). 1 of the submissions does not count toward it. Last evaluated 2025-12-11.

Conditions:
Parkinsonism-dystonia, infantile. Identifiers: Orphanet 238455, MedGen C2751067, MONDO:0013150.
SLC6A3-related disorder. Also called: SLC6A3-related condition.

Allele frequency attached by ClinVar (database versions not stated): gnomAD exomes 0.00004; ExAC 0.00006; 1000 Genomes Project 30x 0.00016; gnomAD 0.00018 and 0.00019; 1000 Genomes Project 0.00020; TOPMed 0.00025.
gnomAD v4.1: 88 of 1,612,844 alleles (0.0055%); highest among the groups gnomAD compares: African/African-American, 0.077%; no homozygotes.

Submissions (3):

Labcorp Genetics (formerly Invitae), Labcorp
Classification: Likely benign for Parkinsonism-dystonia, infantile. Last evaluated: 2025-12-11. Review status: criteria provided, single submitter. Criteria: Invitae Variant Classification Sherloc (09022015). Collection method: clinical testing. Allele origin: germline.

Eurofins Ntd Llc (ga)
Classification: Uncertain significance. Last evaluated: 2017-04-04. Review status: criteria provided, single submitter. Criteria: EGL Classification Definitions 2015. Collection method: clinical testing. Allele origin: germline. Observed: 1 variant allele, 1 heterozygote.

PreventionGenetics, part of Exact Sciences
Classification: Likely benign for SLC6A3-related condition. Last evaluated: 2019-03-12. Review status: no assertion criteria provided. Collection method: clinical testing. Allele origin: germline. Not counted in ClinVar's aggregate classification.
Comment: This variant is classified as likely benign based on ACMG/AMP sequence variant interpretation guidelines (Richards et al. 2015 PMID: 25741868, with internal and published modifications).